The following is an entry in ClinVar:

ClinVar aggregate classification (germline): Uncertain significance. Review status: criteria provided, multiple submitters, no conflicts (2 of 4 stars). 2 submissions from 2 submitters: Uncertain significance (2). Last evaluated 2025-07-02.

Conditions:
Familial thoracic aortic aneurysm and aortic dissection (TAAD). Also called: Thoracic aortic aneurysms and dissections. Identifiers: Orphanet 91387, MedGen C4707243, MONDO:0019625.

gnomAD v4.1: 3 of 1,614,208 alleles (0.00019%); highest among the groups gnomAD compares: African/African-American, 0.0013%; no homozygotes.

Submissions (2):

Color Diagnostics, LLC DBA Color Health
Classification: Uncertain significance for Familial thoracic aortic aneurysm and aortic dissection. Last evaluated: 2025-07-02. Review status: criteria provided, single submitter. Criteria: ACMG Guidelines, 2015. Collection method: clinical testing. Allele origin: germline.
Comment: This missense variant replaces glutamic acid with lysine at codon 485 of the TGFBR2 protein. Computational prediction suggests that this variant may have a deleterious impact on protein structure and function. To our knowledge, functional studies have not been reported for this variant. This variant has been reported in an individual affected with long QT syndrome (PMID: 30158670). This variant has not been identified in the general population by the Genome Aggregation Database (gnomAD). The available evidence is insufficient to determine the role of this variant in disease conclusively. Therefore, this variant is classified as a Variant of Uncertain Significance.

Labcorp Genetics (formerly Invitae), Labcorp
Classification: Uncertain significance for Familial thoracic aortic aneurysm and aortic dissection. Last evaluated: 2025-01-27. Review status: criteria provided, single submitter. Criteria: Invitae Variant Classification Sherloc (09022015). Collection method: clinical testing. Allele origin: germline.
Comment: This sequence change replaces glutamic acid, which is acidic and polar, with lysine, which is basic and polar, at codon 485 of the TGFBR2 protein (p.Glu485Lys). This variant is not present in population databases (gnomAD no frequency). This variant has not been reported in the literature in individuals affected with TGFBR2-related conditions. Invitae Evidence Modeling of protein sequence and biophysical properties (such as structural, functional, and spatial information, amino acid conservation, physicochemical variation, residue mobility, and thermodynamic stability) indicates that this missense variant is expected to disrupt TGFBR2 protein function with a positive predictive value of 95%. In summary, the available evidence is currently insufficient to determine the role of this variant in disease. Therefore, it has been classified as a Variant of Uncertain Significance.

Literature cited by the submitters: PubMed 30158670 (cited by Color Diagnostics, LLC DBA Color Health).

NM_003242.6(TGFBR2):c.1453G>A (p.Glu485Lys)

Gene: TGFBR2 (transforming growth factor beta receptor 2; plus strand). Cytogenetic location: 3p24.1.
Variant type: single nucleotide variant.
Coding change: c.1453G>A on transcript NM_003242.6 (MANE Select); coding-DNA position 1453, G replaced by A.
Protein change: p.Glu485Lys; replaces glutamic acid 485 with lysine.
Molecular consequence: missense variant.
Genome position (GRCh38, 1-based): chr3:30,688,440, G>A. VCF-style: chr3-30688440-G-A. GRCh37 (hg19) VCF-style: chr3-30729932-G-A.
Other names: c.1528G>A, p.Glu510Lys (NM_001024847.3); c.1636G>A, p.Glu546Lys (NM_001407126.1); c.1561G>A, p.Glu521Lys (NM_001407127.1); c.1480G>A, p.Glu494Lys (NM_001407128.1); c.1456G>A, p.Glu486Lys (NM_001407129.1); c.1450G>A, p.Glu484Lys (NM_001407130.1); c.1348G>A, p.Glu450Lys (NM_001407132.1, NM_001407133.1, NM_001407134.1 and 2 more transcripts); c.1168G>A, p.Glu390Lys (NM_001407137.1); and 2 more; short protein forms E450K, E510K, E546K, E195K, E486K, E390K, E484K, E485K.
Identifiers: ClinVar variation 3720456 (VCV003720456.3).
Genomic context (GRCh38, chr3:30,688,440, plus strand): 5'-ACAGAAGTAAAAGATTATGAGCCTCCATTTGGTTCCAAGGTGCGGGAGCACCCCTGTGTC[G>A]AAAGCATGAAGGACAACGTGTTGAGAGATCGAGGGCGACCAGAAATTCCCAGCTTCTGGC-3'
Protein context (NP_003233.4, residues 475-495): GSKVREHPCV[Glu485Lys]SMKDNVLRDR